The following is an entry in ClinVar:

NC_000017.11:g.(?_31095290)_(31095389_?)del

Gene: NF1 (neurofibromin 1; plus strand). Cytogenetic location: 17q11.2.
Variant type: Deletion.
Identifiers: ClinVar variation 831072 (VCV000831072.1).

ClinVar aggregate classification (germline): Pathogenic (1 of 4 stars; one submission).

Conditions:
Neurofibromatosis, type 1 (NF1). Also called: Neurofibromatosis, type I; Peripheral type neurofibromatosis; VON RECKLINGHAUSEN DISEASE; NEUROFIBROMATOSIS, TYPE I, SOMATIC. Identifiers: Orphanet 636, MedGen C0027831, MONDO:0018975, OMIM 162200. Disease mechanism: loss of function.

Submission:

Labcorp Genetics (formerly Invitae), Labcorp
Classification: Pathogenic for Neurofibromatosis, type 1. Last evaluated: 2019-11-11. Review status: criteria provided, single submitter. Criteria: Invitae Variant Classification Sherloc (09022015). Collection method: clinical testing. Allele origin: germline.
Comment: This variant is a gross deletion of the genomic region encompassing exon 1 of the NF1 gene, which includes the initiator codon. The 5' end of this event is unknown as it extends beyond the assayed region for this gene and therefore may encompass additional genes. The 3' boundary is likely confined to intron 1 of the NF1 gene. This is expected to result in an absent or disrupted protein product. Loss-of-function variants in NF1 are known to be pathogenic. This particular deletion of exon 1 has been reported in individuals affected with neurofibromatosis type 1 (NF1) (PMID: 16283621). For these reasons, this variant has been classified as Pathogenic.

Literature cited by the submitters: PubMed 16283621.